The following is an entry in ClinVar:

NM_020884.7(MYH7B):c.4369G>C (p.Glu1457Gln)

Gene: MYH7B (myosin heavy chain 7B; plus strand). Cytogenetic location: 20q11.22.
Variant type: single nucleotide variant.
Coding change: c.4369G>C on transcript NM_020884.7 (MANE Select); coding-DNA position 4369, G replaced by C.
Protein change: p.Glu1457Gln; replaces glutamic acid 1457 with glutamine.
Molecular consequence: missense variant.
Genome position (GRCh38, 1-based): chr20:34,999,234, G>C. VCF-style: chr20-34999234-G-C. GRCh37 (hg19) VCF-style: chr20-33587037-G-C.
Other names: short protein forms E1457Q.
Identifiers: ClinVar variation 3400962 (VCV003400962.3).

ClinVar aggregate classification (germline): Uncertain significance. Review status: criteria provided, multiple submitters, no conflicts (2 of 4 stars). 2 submissions from 2 submitters: Uncertain significance (2). Last evaluated 2024-08-05.

gnomAD v4.1: 27 of 1,609,834 alleles (0.0017%); highest among the groups gnomAD compares: Non-Finnish European, 0.0023%; no homozygotes.

Submissions (2):

Ambry Genetics
Classification: Uncertain significance. Last evaluated: 2024-08-05. Review status: criteria provided, single submitter. Criteria: Ambry Variant Classification Scheme 2023. Collection method: clinical testing. Allele origin: germline.

Labcorp Genetics (formerly Invitae), Labcorp
Classification: Uncertain significance. Last evaluated: 2024-01-29. Review status: criteria provided, single submitter. Criteria: Invitae Variant Classification Sherloc (09022015). Collection method: clinical testing. Allele origin: germline.
Comment: This sequence change replaces glutamic acid, which is acidic and polar, with glutamine, which is neutral and polar, at codon 1499 of the MYH7B protein (p.Glu1499Gln). This variant is present in population databases (rs374676753, gnomAD 0.004%). This variant has not been reported in the literature in individuals affected with MYH7B-related conditions. Advanced modeling of protein sequence and biophysical properties (such as structural, functional, and spatial information, amino acid conservation, physicochemical variation, residue mobility, and thermodynamic stability) performed at Invitae indicates that this missense variant is expected to disrupt MYH7B protein function with a positive predictive value of 80%. In summary, the available evidence is currently insufficient to determine the role of this variant in disease. Therefore, it has been classified as a Variant of Uncertain Significance.